The following is an entry in ClinVar:

NM_004656.4(BAP1):c.203A>G (p.Asp68Gly)

Gene: BAP1 (BRCA1 associated deubiquitinase 1; minus strand). Cytogenetic location: 3p21.1.
Variant type: single nucleotide variant.
Coding change: c.203A>G on transcript NM_004656.4 (MANE Select); coding-DNA position 203, A replaced by G.
Protein change: p.Asp68Gly; replaces aspartic acid 68 with glycine.
Molecular consequence: missense variant.
Genome position (GRCh38, 1-based): chr3:52,408,526, T>C on the plus strand (A>G on the coding strand, the complement: BAP1 is on the minus strand). VCF-style: chr3-52408526-T-C. GRCh37 (hg19) VCF-style: chr3-52442542-T-C.
Other names: c.203A>G, p.Asp68Gly (NM_001410772.1); short protein forms D68G.
Identifiers: ClinVar variation 4741093 (VCV004741093.1).

ClinVar aggregate classification (germline): Uncertain significance (1 of 4 stars; one submission).

Conditions:
BAP1-related tumor predisposition syndrome (TPDS1). Also called: TUMOR PREDISPOSITION SYNDROME 1; BAP1 tumor predisposition syndrome; Tumor susceptibility linked to germline BAP1 mutations; COMMON Syndrome. Identifiers: Orphanet 289539, MedGen C3280492, MONDO:0013692, OMIM 614327.

Submission:

Labcorp Genetics (formerly Invitae), Labcorp
Classification: Uncertain significance for BAP1-related tumor predisposition syndrome. Last evaluated: 2025-12-23. Review status: criteria provided, single submitter. Criteria: Invitae Variant Classification Sherloc (09022015). Collection method: clinical testing. Allele origin: germline.
Comment: This sequence change replaces aspartic acid, which is acidic and polar, with glycine, which is neutral and non-polar, at codon 68 of the BAP1 protein (p.Asp68Gly). This variant is not present in population databases (gnomAD no frequency). This variant has not been reported in the literature in individuals affected with BAP1-related conditions. Invitae Evidence Modeling of protein sequence and biophysical properties (such as structural, functional, and spatial information, amino acid conservation, physicochemical variation, residue mobility, and thermodynamic stability) indicates that this missense variant is not expected to disrupt BAP1 protein function with a negative predictive value of 80%. Algorithms developed to predict the effect of sequence changes on RNA splicing suggest that this variant may disrupt the consensus splice site. In summary, the available evidence is currently insufficient to determine the role of this variant in disease. Therefore, it has been classified as a Variant of Uncertain Significance.